The following is an entry in ClinVar:

ClinVar aggregate classification (germline): Conflicting classifications of pathogenicity. Review status: criteria provided, conflicting classifications (1 of 4 stars). 8 submissions from 8 submitters: Uncertain significance (7); Benign (1). Last evaluated 2026-02-25.

Conditions:
MSH6-related disorder. Also called: MSH6-Related disorders; MSH6-related condition.
Hereditary cancer-predisposing syndrome. Also called: Tumor predisposition; Neoplastic Syndromes, Hereditary; Hereditary neoplastic syndrome; Hereditary Cancer Syndrome. Identifiers: Orphanet 140162, MedGen C0027672, MeSH D009386, MONDO:0015356.
Lynch syndrome. Identifiers: Orphanet 144, MedGen C4552100, MONDO:0005835. Disease mechanism: loss of function.
Lynch syndrome 5 (LYNCH5). Also called: Colorectal cancer, hereditary nonpolyposis, type 5; Hereditary non-polyposis colorectal cancer, type 5. Identifiers: Orphanet 144, MedGen C1833477, MONDO:0013710, OMIM 614350. Disease mechanism: loss of function.

Allele frequency attached by ClinVar (database versions not stated): gnomAD 0.00001; gnomAD exomes 0.00001; TOPMed 0.00002.

Submissions (8):

PreventionGenetics, part of Exact Sciences
Classification: Uncertain significance for MSH6-related condition. Last evaluated: 2026-02-25. Review status: criteria provided, single submitter. Criteria: ACMG Guidelines, 2015. Collection method: clinical testing. Allele origin: germline.
Comment: The MSH6 c.*1A>G variant is located in the 3' untranslated region. To our knowledge, this variant has not been reported in the literature. This variant is reported in 0.0018% of alleles in individuals of European (Non-Finnish) descent in gnomAD and is interpreted as uncertain and likely benign in ClinVar (Variation ID: 141250). At this time, the clinical significance of this variant is uncertain due to the absence of conclusive functional and genetic evidence.

Color Diagnostics, LLC DBA Color Health
Classification: Uncertain significance for Hereditary cancer-predisposing syndrome. Last evaluated: 2025-06-17. Review status: criteria provided, single submitter. Criteria: ACMG Guidelines, 2015. Collection method: clinical testing. Allele origin: germline.
Comment: This variant is located in the 3' untranslated region of the MSH6 gene. To our knowledge, functional studies have not been reported for this variant. This variant has not been reported in individuals affected with MSH6-related disorders in the literature. This variant has been identified in 2/250944 chromosomes in the general population by the Genome Aggregation Database (gnomAD). The available evidence is insufficient to determine the role of this variant in disease conclusively. Therefore, this variant is classified as a Variant of Uncertain Significance.

Quest Diagnostics Nichols Institute San Juan Capistrano
Classification: Uncertain significance. Last evaluated: 2025-03-25. Review status: criteria provided, single submitter. Criteria: Quest Diagnostics criteria. Collection method: clinical testing. Allele origin: unknown.
Comment: The MSH6 c.*1A>G variant, located in the 3'-untranslated region of the MSH6 gene, has not been reported in individuals with MSH6-related conditions in the published literature. The frequency of this variant in the general population (Genome Aggregation Database) is uninformative in the assessment of its pathogenicity. Based on the available information, we are unable to determine the clinical significance of this variant.

Myriad Genetics, Inc.
Classification: Benign for Lynch syndrome 5. Last evaluated: 2025-01-09. Review status: criteria provided, single submitter. Criteria: Myriad Autosomal Dominant, Autosomal Recessive and X-Linked Classification Criteria (2023). Collection method: clinical testing. Allele origin: unknown.
Comment: This variant is considered benign. This variant occurs in the non-coding 3' untranslated region of the gene, and is not expected to impact protein function.

GeneDx
Classification: Uncertain significance. Last evaluated: 2024-04-23. Review status: criteria provided, single submitter. Criteria: GeneDx Variant Classification Process June 2021. Collection method: clinical testing. Allele origin: germline. Affected: yes.
Comment: Describes a single nucleotide substitution one base downstream of the translational stop codon in the 3' untranslated region (3'UTR); Nucleotide is not conserved across species; Not observed at significant frequency in large population cohorts (gnomAD); Has not been previously published as pathogenic or benign to our knowledge

All of Us Research Program, National Institutes of Health
Classification: Uncertain significance for Lynch syndrome. Last evaluated: 2023-12-18. Review status: criteria provided, single submitter. Criteria: ACMG Guidelines, 2015. Collection method: clinical testing. Allele origin: germline. Inheritance: Autosomal dominant inheritance. Observed: 5 variant alleles, 5 heterozygotes.
Comment: This variant is located in the 3' untranslated region of the MSH6 gene. To our knowledge, functional studies have not been reported for this variant. This variant has not been reported in individuals affected with MSH6-related disorders in the literature. This variant has been identified in 2/250944 chromosomes in the general population by the Genome Aggregation Database (gnomAD). The available evidence is insufficient to determine the role of this variant in disease conclusively. Therefore, this variant is classified as a Variant of Uncertain Significance.

This study involves interpretation of variants in research participants for the purpose of population health screening. Participant phenotype was not available at the time of variant classification. Additional details can be found in publication PMID: 35346344, PMCID: PMC8962531

Center for Human Genetics, Inc
Classification: Uncertain significance for Lynch syndrome 5. Last evaluated: 2016-11-01. Review status: criteria provided, single submitter. Criteria: ACMG Guidelines, 2015. Collection method: clinical testing. Allele origin: germline. Affected: yes.

Ambry Genetics
Classification: Uncertain significance for Hereditary cancer-predisposing syndrome. Last evaluated: 2016-05-19. Review status: criteria provided, single submitter. Criteria: Ambry Variant Classification Scheme 2023. Collection method: clinical testing. Allele origin: germline.
Comment: The c.*1A>G variant is located in the 3' untranslated region (3&rsquo;UTR) of the MSH6 gene. This variant results from a A to G substitution one nucleotide after the stop codon in the MSH6 gene. Nucleotide conservation data at this position is extremely limited. Since supporting evidence is limited at this time, the clinical significance of this alteration remains unclear.

NM_000179.3(MSH6):c.*1A>G

Gene: MSH6 (mutS homolog 6; plus strand). Cytogenetic location: 2p16.3.
Variant type: single nucleotide variant.
Coding change: c.*1A>G on transcript NM_000179.3 (MANE Select); 1 bases downstream of the stop codon, A replaced by G.
Molecular consequence: 3 prime UTR variant.
Genome position (GRCh38, 1-based): chr2:47,806,861, A>G. VCF-style: chr2-47806861-A-G. GRCh37 (hg19) VCF-style: chr2-48034000-A-G.
Other names: c.*1A>G (NM_001281492.2, NM_001281493.2, NM_001281494.2).
Identifiers: ClinVar variation 141250 (VCV000141250.25), dbSNP rs587781604, ClinGen allele CA009540.
Genomic context (GRCh38, chr2:47,806,861, plus strand): 5'-AGGTCAACTGTAGATGCTGAAGCTGTCCATAAATTGCTGACTTTGATTAAGGAATTATAG[A>G]CTGACTACATTGGAAGCTTTGAGTTGACTTCTGACAAAGGTGGTAAATTCAGACAACATT-3'